The following is an entry in ClinVar:

ClinVar aggregate classification (germline): Uncertain significance. Review status: criteria provided, multiple submitters, no conflicts (2 of 4 stars). 2 submissions from 2 submitters: Uncertain significance (2). Last evaluated 2024-11-14.

Conditions:
Familial cancer of breast. Also called: BREAST CANCER, FAMILIAL; Hereditary breast cancer; hereditary breast carcinoma. Identifiers: Orphanet 227535, MedGen C0346153, MONDO:0016419, OMIM 114480. Disease mechanism: loss of function.
Hereditary cancer-predisposing syndrome. Also called: Hereditary Cancer Syndrome; Neoplastic Syndromes, Hereditary; Tumor predisposition; Hereditary neoplastic syndrome. Identifiers: Orphanet 140162, MedGen C0027672, MeSH D009386, MONDO:0015356.

Submissions (2):

Ambry Genetics
Classification: Uncertain significance for Hereditary cancer-predisposing syndrome. Last evaluated: 2024-11-14. Review status: criteria provided, single submitter. Criteria: Ambry Variant Classification Scheme 2023. Collection method: clinical testing. Allele origin: germline.
Comment: The p.C639G variant (also known as c.1915T>G), located in coding exon 10 of the BARD1 gene, results from a T to G substitution at nucleotide position 1915. The cysteine at codon 639 is replaced by glycine, an amino acid with highly dissimilar properties. This amino acid position is highly conserved in available vertebrate species. In addition, this alteration is predicted to be deleterious by in silico analysis. Since supporting evidence is limited at this time, the clinical significance of this alteration remains unclear.

Labcorp Genetics (formerly Invitae), Labcorp
Classification: Uncertain significance for Familial cancer of breast. Last evaluated: 2023-11-24. Review status: criteria provided, single submitter. Criteria: Invitae Variant Classification Sherloc (09022015). Collection method: clinical testing. Allele origin: germline.
Comment: This sequence change replaces cysteine, which is neutral and slightly polar, with glycine, which is neutral and non-polar, at codon 639 of the BARD1 protein (p.Cys639Gly). This variant is not present in population databases (gnomAD no frequency). This variant has not been reported in the literature in individuals affected with BARD1-related conditions. ClinVar contains an entry for this variant (Variation ID: 481375). An algorithm developed to predict the effect of missense changes on protein structure and function (PolyPhen-2) suggests that this variant is likely to be disruptive. In summary, the available evidence is currently insufficient to determine the role of this variant in disease. Therefore, it has been classified as a Variant of Uncertain Significance.

NM_000465.4(BARD1):c.1915T>G (p.Cys639Gly)

Gene: BARD1 (BRCA1 associated RING domain 1; minus strand). Cytogenetic location: 2q35.
Variant type: single nucleotide variant.
Coding change: c.1915T>G on transcript NM_000465.4 (MANE Select); coding-DNA position 1915, T replaced by G.
Protein change: p.Cys639Gly; replaces cysteine 639 with glycine.
Molecular consequence: missense variant. On other transcripts: non-coding transcript variant (3).
Genome position (GRCh38, 1-based): chr2:214,730,497, A>C on the plus strand (T>G on the coding strand, the complement: BARD1 is on the minus strand). VCF-style: chr2-214730497-A-C. GRCh37 (hg19) VCF-style: chr2-215595221-A-C.
Other names: c.1858T>G, p.Cys620Gly (NM_001282543.2); c.562T>G, p.Cys188Gly (NM_001282545.2); c.505T>G, p.Cys169Gly (NM_001282548.2); c.376T>G, p.Cys126Gly (NM_001282549.2); short protein forms C639G, C169G, C620G, C188G, C126G.
Identifiers: ClinVar variation 481375 (VCV000481375.13), dbSNP rs587781376, ClinGen allele CA350451305.